The following is an entry in ClinVar:

ClinVar aggregate classification (germline): Uncertain significance (1 of 4 stars; one submission).

Submission:

Labcorp Genetics (formerly Invitae), Labcorp
Classification: Uncertain significance. Last evaluated: 2021-11-02. Review status: criteria provided, single submitter. Criteria: Invitae Variant Classification Sherloc (09022015). Collection method: clinical testing. Allele origin: germline.
Comment: In summary, the available evidence is currently insufficient to determine the role of this variant in disease. Therefore, it has been classified as a Variant of Uncertain Significance. Advanced modeling of protein sequence and biophysical properties (such as structural, functional, and spatial information, amino acid conservation, physicochemical variation, residue mobility, and thermodynamic stability) performed at Invitae indicates that this missense variant is not expected to disrupt ABCC8 protein function. This variant has not been reported in the literature in individuals affected with ABCC8-related conditions. This variant is not present in population databases (gnomAD no frequency). This sequence change replaces histidine, which is basic and polar, with arginine, which is basic and polar, at codon 990 of the ABCC8 protein (p.His990Arg).

NM_000352.6(ABCC8):c.2969A>G (p.His990Arg)

Gene: ABCC8 (ATP binding cassette subfamily C member 8; minus strand). Cytogenetic location: 11p15.1.
Variant type: single nucleotide variant.
Coding change: c.2969A>G on transcript NM_000352.6 (MANE Select); coding-DNA position 2969, A replaced by G.
Protein change: p.His990Arg; replaces histidine 990 with arginine.
Molecular consequence: missense variant. On other transcripts: non-coding transcript variant (1).
Genome position (GRCh38, 1-based): chr11:17,407,081, T>C on the plus strand (A>G on the coding strand, the complement: ABCC8 is on the minus strand). VCF-style: chr11-17407081-T-C. GRCh37 (hg19) VCF-style: chr11-17428628-T-C.
Other names: c.2972A>G, p.His991Arg (NM_001287174.3); c.3035A>G, p.His1012Arg (NM_001351295.2); c.2969A>G, p.His990Arg (NM_001351296.2); c.2966A>G, p.His989Arg (NM_001351297.2); short protein forms H1012R, H989R, H990R, H991R.
Identifiers: ClinVar variation 1443580 (VCV001443580.6), dbSNP rs2133448138, ClinGen allele CA379804133.